The following is an entry in ClinVar:

ClinVar aggregate classification (germline): Likely benign. Review status: criteria provided, multiple submitters, no conflicts (2 of 4 stars). 2 submissions from 2 submitters: Likely benign (2). Last evaluated 2026-01-12.

Allele frequency attached by ClinVar (database versions not stated): gnomAD 0.00048; gnomAD exomes 0.00052 and 0.00058; TOPMed 0.00052; ExAC 0.00066; ESP Exome Variant Server 0.00085.
gnomAD v4.1: 899 of 1,614,144 alleles (0.056%); highest among the groups gnomAD compares: Non-Finnish European, 0.072%; 1 homozygote.

Submissions (3):

Labcorp Genetics (formerly Invitae), Labcorp
Classification: Likely benign. Last evaluated: 2026-01-12. Review status: criteria provided, single submitter. Criteria: Invitae Variant Classification Sherloc (09022015). Collection method: clinical testing. Allele origin: germline.

CeGaT Center for Human Genetics Tuebingen
Classification: Likely benign. Last evaluated: 2025-04-01. Review status: criteria provided, single submitter. Criteria: CeGaT Center For Human Genetics Tuebingen Variant Classification Criteria Version 2. Collection method: clinical testing. Allele origin: germline. Affected: yes. Observed: 5 variant alleles.
Comment: VPS13D: BP4, BP7

Dr. Peter K. Rogan Lab, Western University
No classification provided (evidence only). Condition: Malignant tumor of esophagus. Review status: no classification provided. Collection method: in vitro. Allele origin: not applicable. Functional consequence: retained intron. Not counted in ClinVar's aggregate classification.

NM_015378.4(VPS13D):c.8334A>G (p.Gln2778=)

Gene: VPS13D (vacuolar protein sorting 13 homolog D; plus strand). Cytogenetic location: 1p36.22.
Variant type: single nucleotide variant.
Coding change: c.8334A>G on transcript NM_015378.4 (MANE Select); coding-DNA position 8334, A replaced by G.
Protein change: p.Gln2778=; no amino-acid change (glutamine 2778 retained).
Molecular consequence: synonymous variant.
Genome position (GRCh38, 1-based): chr1:12,333,272, A>G. VCF-style: chr1-12333272-A-G. GRCh37 (hg19) VCF-style: chr1-12393329-A-G.
Other names: c.8334A>G, p.Gln2778= (NM_018156.4).
Identifiers: ClinVar variation 724779 (VCV000724779.33), dbSNP rs150154094, ClinGen allele CA603092.